The following is an entry in ClinVar:

ClinVar aggregate classification (germline): Uncertain significance. Review status: criteria provided, multiple submitters, no conflicts (2 of 4 stars). 3 submissions from 3 submitters: Uncertain significance (3). Last evaluated 2023-01-23.

Conditions:
Inborn genetic diseases. Identifiers: MedGen C0950123, MeSH D030342.

Allele frequency attached by ClinVar (database versions not stated): ExAC 0.00001; gnomAD exomes 0.00001; gnomAD 0.00004; TOPMed 0.00013.
gnomAD v4.1: 20 of 1,614,078 alleles (0.0012%); highest among the groups gnomAD compares: Admixed American, 0.013%; no homozygotes.

Submissions (3):

Blueprint Genetics
Classification: Uncertain significance. Last evaluated: 2023-01-23. Review status: criteria provided, single submitter. Criteria: ACMG Guidelines, 2015. Collection method: clinical testing. Allele origin: germline.

Ambry Genetics
Classification: Uncertain significance for Inborn genetic diseases. Last evaluated: 2022-10-03. Review status: criteria provided, single submitter. Criteria: Ambry Variant Classification Scheme 2023. Collection method: clinical testing. Allele origin: germline.

Labcorp Genetics (formerly Invitae), Labcorp
Classification: Uncertain significance. Last evaluated: 2021-12-20. Review status: criteria provided, single submitter. Criteria: Invitae Variant Classification Sherloc (09022015). Collection method: clinical testing. Allele origin: germline.
Comment: This sequence change replaces phenylalanine, which is neutral and non-polar, with valine, which is neutral and non-polar, at codon 59 of the EYS protein (p.Phe59Val). This variant is present in population databases (rs761421057, gnomAD 0.006%). This variant has not been reported in the literature in individuals affected with EYS-related conditions. Algorithms developed to predict the effect of missense changes on protein structure and function output the following: SIFT: "Tolerated"; PolyPhen-2: "Benign"; Align-GVGD: "Class C0". The valine amino acid residue is found in multiple mammalian species, which suggests that this missense change does not adversely affect protein function. In summary, the available evidence is currently insufficient to determine the role of this variant in disease. Therefore, it has been classified as a Variant of Uncertain Significance.

NM_001142800.2(EYS):c.175T>G (p.Phe59Val)

Gene: EYS (EGF-like photoreceptor maintenance factor; minus strand). Cytogenetic location: 6q12.
Variant type: single nucleotide variant.
Coding change: c.175T>G on transcript NM_001142800.2 (MANE Select); coding-DNA position 175, T replaced by G.
Protein change: p.Phe59Val; replaces phenylalanine 59 with valine.
Molecular consequence: missense variant.
Genome position (GRCh38, 1-based): chr6:65,495,236, A>C on the plus strand (T>G on the coding strand, the complement: EYS is on the minus strand). VCF-style: chr6-65495236-A-C. GRCh37 (hg19) VCF-style: chr6-66205129-A-C.
Other names: c.175T>G, p.Phe59Val (NM_001142801.2, NM_001292009.2, NM_198283.2); c.175T>G (NM_001142800.1); short protein forms F59V.
Identifiers: ClinVar variation 2155105 (VCV002155105.3), dbSNP rs761421057, ClinGen allele CA3878117.